The following is an entry in ClinVar:

NM_032383.5(HPS3):c.989del (p.Gly330fs)

Gene: HPS3 (HPS3 biogenesis of lysosomal organelles complex 2 subunit 1; plus strand). Cytogenetic location: 3q24.
Variant type: Deletion.
Coding change: c.989del on transcript NM_032383.5 (MANE Select); coding-DNA position 989, one base deleted (G; older notation c.989delG).
Protein change: p.Gly330fs; shifts the reading frame from glycine 330.
Molecular consequence: frameshift variant.
Genome position (GRCh38, 1-based): chr3:149,145,372, G deleted; the last of 2 consecutive G bases (chr3:149,145,371-149,145,372); deleting either gives the same sequence. VCF-style (leftmost placement, unchanged base first): chr3-149145370-TG-T. GRCh37 (hg19) VCF-style: chr3-148863157-TG-T.
Other names: c.494del, p.Gly165fs (NM_001308258.2); short protein forms G330fs, G165fs.
Identifiers: ClinVar variation 2994388 (VCV002994388.3), dbSNP rs776560190, ClinGen allele CA2659977.

ClinVar aggregate classification (germline): Pathogenic (1 of 4 stars; one submission).

Submission:

Labcorp Genetics (formerly Invitae), Labcorp
Classification: Pathogenic. Last evaluated: 2024-01-11. Review status: criteria provided, single submitter. Criteria: Invitae Variant Classification Sherloc (09022015). Collection method: clinical testing. Allele origin: germline.
Comment: This sequence change creates a premature translational stop signal (p.Gly330Glufs*11) in the HPS3 gene. It is expected to result in an absent or disrupted protein product. Loss-of-function variants in HPS3 are known to be pathogenic (PMID: 11590544). This variant is present in population databases (rs776560190, gnomAD 0.007%). This variant has not been reported in the literature in individuals affected with HPS3-related conditions. Algorithms developed to predict the effect of sequence changes on RNA splicing suggest that this variant may disrupt the consensus splice site. For these reasons, this variant has been classified as Pathogenic.

Literature cited by the submitters: PubMed 11590544.